The following is an entry in ClinVar:

NM_001379110.1(SLC9A6):c.-53G>C

Gene: SLC9A6 (solute carrier family 9 member A6; plus strand). Cytogenetic location: Xq26.3.
Variant type: single nucleotide variant.
Coding change: c.-53G>C on transcript NM_001379110.1 (MANE Select); 53 bases upstream of the start codon, G replaced by C.
Molecular consequence: 5 prime UTR variant. On other transcripts: missense variant (2), intron variant (1).
Genome position (GRCh38, 1-based): chrX:135,985,606, G>C. VCF-style: chrX-135985606-G-C. GRCh37 (hg19) VCF-style: chrX-135067765-G-C.
Other names: c.104G>C, p.Gly35Ala (NM_001042537.2, NM_006359.3); c.-53G>C (NM_001177651.2, NM_001330652.2, NM_001400910.1 and 3 more transcripts); c.-35-18G>C (NM_001400909.1); short protein forms G35A.
Identifiers: ClinVar variation 2579602 (VCV002579602.6), dbSNP rs1382310975, ClinGen allele CA414606521.

ClinVar aggregate classification (germline): Conflicting classifications of pathogenicity. Review status: criteria provided, conflicting classifications (1 of 4 stars). 3 submissions from 3 submitters: Uncertain significance (2); Likely benign (1). Last evaluated 2025-09-26.

Conditions:
Inborn genetic diseases. Identifiers: MedGen C0950123, MeSH D030342.
Christianson syndrome (MRXSCH). Also called: SLC9A6-Related Syndromic Mental Retardation; X-linked mental retardation, syndromic, Christianson type; INTELLECTUAL DEVELOPMENTAL DISORDER, X-LINKED, SYNDROMIC, CHRISTIANSON TYPE. Identifiers: Orphanet 85278, MedGen C2678194, MONDO:0010278, OMIM 300243.

Allele frequency attached by ClinVar (database versions not stated): gnomAD exomes below 0.00001; TOPMed 0.00001; gnomAD 0.00002.
gnomAD v4.1: 4 of 1,208,417 alleles (0.00033%); highest among the groups gnomAD compares: African/African-American, 0.0035%; no homozygotes.

Submissions (3):

GeneDx
Classification: Uncertain significance. Last evaluated: 2025-09-26. Review status: criteria provided, single submitter. Criteria: GeneDx Variant Classification Process June 2021. Collection method: clinical testing. Allele origin: germline. Affected: yes.
Comment: Not observed at significant frequency in large population cohorts (gnomAD); In silico analysis suggests that this missense variant does not alter protein structure/function; Has not been previously published as pathogenic or benign to our knowledge

Ambry Genetics
Classification: Likely benign for Inborn genetic diseases. Last evaluated: 2025-01-22. Review status: criteria provided, single submitter. Criteria: Ambry Variant Classification Scheme 2023. Collection method: clinical testing. Allele origin: germline.

Labcorp Genetics (formerly Invitae), Labcorp
Classification: Uncertain significance for Christianson syndrome. Last evaluated: 2024-05-21. Review status: criteria provided, single submitter. Criteria: Invitae Variant Classification Sherloc (09022015). Collection method: clinical testing. Allele origin: germline.
Comment: This sequence change replaces glycine, which is neutral and non-polar, with alanine, which is neutral and non-polar, at codon 35 of the SLC9A6 protein (p.Gly35Ala). This variant is not present in population databases (gnomAD no frequency). This variant has not been reported in the literature in individuals affected with SLC9A6-related conditions. ClinVar contains an entry for this variant (Variation ID: 2579602). An algorithm developed to predict the effect of missense changes on protein structure and function (PolyPhen-2) suggests that this variant is likely to be tolerated. In summary, the available evidence is currently insufficient to determine the role of this variant in disease. Therefore, it has been classified as a Variant of Uncertain Significance.